The following is an entry in ClinVar:

NM_000548.5(TSC2):c.4527C>G (p.Phe1509Leu)

Gene: TSC2 (TSC complex subunit 2; plus strand). Cytogenetic location: 16p13.3.
Variant type: single nucleotide variant.
Coding change: c.4527C>G on transcript NM_000548.5 (MANE Select); coding-DNA position 4527, C replaced by G.
Protein change: p.Phe1509Leu; replaces phenylalanine 1509 with leucine.
Molecular consequence: missense variant.
Genome position (GRCh38, 1-based): chr16:2,084,984, C>G. VCF-style: chr16-2084984-C-G. GRCh37 (hg19) VCF-style: chr16-2134985-C-G.
Other names: c.4527C>G (NM_000548.4); c.4326C>G, p.Phe1442Leu (NM_001077183.3); c.4458C>G, p.Phe1486Leu (NM_001114382.3); c.4218C>G, p.Phe1406Leu (NM_001318827.2); c.4182C>G, p.Phe1394Leu (NM_001318829.2); c.3795C>G, p.Phe1265Leu (NM_001318831.2); c.4359C>G, p.Phe1453Leu (NM_001318832.2); c.4329C>G, p.Phe1443Leu (NM_001363528.2); and 2 more; short protein forms F1509L, F1465L, F1394L, F1406L, F1442L, F1486L, F1265L, F1443L.
Identifiers: ClinVar variation 468097 (VCV000468097.34), dbSNP rs775919951, ClinGen allele CA394302842.

ClinVar aggregate classification (germline): Conflicting classifications of pathogenicity. Review status: criteria provided, conflicting classifications (1 of 4 stars). 7 submissions from 7 submitters: Uncertain significance (2); Benign (1); Likely benign (4). Last evaluated 2026-01-20.

Conditions:
Hereditary cancer-predisposing syndrome. Also called: Hereditary neoplastic syndrome; Tumor predisposition; Neoplastic Syndromes, Hereditary; Hereditary Cancer Syndrome. Identifiers: Orphanet 140162, MedGen C0027672, MeSH D009386, MONDO:0015356.
TSC2-related disorder. Also called: TSC2-related condition; TSC2-Related Disorders.
Tuberous sclerosis syndrome (TSC). Also called: Tuberous Sclerosis Complex; Tuberous sclerosis. Identifiers: Orphanet 805, MedGen C0041341, MONDO:0001734.
Tuberous sclerosis 2 (TSC2). Identifiers: Orphanet 805, MedGen C1860707, MONDO:0013199, OMIM 613254.

Allele frequency attached by ClinVar (database versions not stated): TOPMed 0.00001; gnomAD 0.00002.
gnomAD v4.1: 44 of 1,612,016 alleles (0.0027%); highest among the groups gnomAD compares: Non-Finnish European, 0.0034%; no homozygotes.

Submissions (7):

Labcorp Genetics (formerly Invitae), Labcorp
Classification: Likely benign for Tuberous sclerosis 2. Last evaluated: 2026-01-20. Review status: criteria provided, single submitter. Criteria: Invitae Variant Classification Sherloc (09022015). Collection method: clinical testing. Allele origin: germline.

PreventionGenetics, part of Exact Sciences
Classification: Likely benign for TSC2-related condition. Last evaluated: 2026-01-08. Review status: criteria provided, single submitter. Criteria: ACMG Guidelines, 2015. Collection method: clinical testing. Allele origin: germline.
Comment: This variant is classified as likely benign based on ACMG/AMP sequence variant interpretation guidelines (Richards et al. 2015 PMID: 25741868, with internal and published modifications).

Color Diagnostics, LLC DBA Color Health
Classification: Uncertain significance for Tuberous sclerosis syndrome. Last evaluated: 2025-05-27. Review status: criteria provided, single submitter. Criteria: ACMG Guidelines, 2015. Collection method: clinical testing. Allele origin: germline.
Comment: This missense variant replaces phenylalanine with leucine at codon 1509 of the TSC2 protein. Computational prediction is inconclusive regarding the impact of this variant on protein structure and function. To our knowledge, functional studies have not been reported for this variant. This variant has not been reported in individuals affected with TSC2-related disorders in the literature. This variant has been identified in 1/31214 chromosomes in the general population by the Genome Aggregation Database (gnomAD). The available evidence is insufficient to determine the role of this variant in disease conclusively. Therefore, this variant is classified as a Variant of Uncertain Significance.

CeGaT Center for Human Genetics Tuebingen
Classification: Likely benign. Last evaluated: 2024-09-01. Review status: criteria provided, single submitter. Criteria: CeGaT Center For Human Genetics Tuebingen Variant Classification Criteria Version 2. Collection method: clinical testing. Allele origin: germline. Affected: yes. Observed: 1 variant allele.
Comment: TSC2: BS2

Sema4
Classification: Uncertain significance for Hereditary cancer-predisposing syndrome. Last evaluated: 2022-01-25. Review status: criteria provided, single submitter. Criteria: Sema4 Curation Guidelines. Collection method: curation. Allele origin: germline.
Comment: The TSC2 c.4527C>G (p.F1509L) variant has been reported in at least one individual with an unspecified cancer (PMID: 28873162). It was observed in 1/15328 chromosomes of the Non-Finnish European subpopulation in the large and broad cohorts of the Genome Aggregation Database (PMID: 32461654). The variant has been reported in ClinVar (Variation ID 468097). Functional studies have not been performed, and in silico predictions of the variant's effect on protein function are inconclusive. The evidence is insufficient to meet ACMG/AMP criteria for classifying the variant as benign or pathogenic. Thus, the clinical significance of this variant is currently uncertain.

Genome-Nilou Lab
Classification: Benign for Tuberous sclerosis 2. Last evaluated: 2021-11-07. Review status: criteria provided, single submitter. Criteria: ACMG Guidelines, 2015. Collection method: clinical testing. Allele origin: germline. Affected: no.

Ambry Genetics
Classification: Likely benign for Hereditary cancer-predisposing syndrome. Last evaluated: 2020-01-10. Review status: criteria provided, single submitter. Criteria: Ambry Variant Classification Scheme 2023. Collection method: clinical testing. Allele origin: germline.

Literature cited by the submitters: PubMed 28873162 (cited by Sema4).